The following is an entry in ClinVar:

NM_006308.3(HSPB3):c.199G>A (p.Gly67Ser)

Gene: HSPB3 (heat shock protein family B (small) member 3; plus strand). Cytogenetic location: 5q11.2.
Variant type: single nucleotide variant.
Coding change: c.199G>A on transcript NM_006308.3 (MANE Select); coding-DNA position 199, G replaced by A.
Protein change: p.Gly67Ser; replaces glycine 67 with serine.
Molecular consequence: missense variant.
Genome position (GRCh38, 1-based): chr5:54,455,988, G>A. VCF-style: chr5-54455988-G-A. GRCh37 (hg19) VCF-style: chr5-53751818-G-A.
Other names: short protein forms G67S.
Identifiers: ClinVar variation 353898 (VCV000353898.15), dbSNP rs35258119, ClinGen allele CA3264632.

ClinVar aggregate classification (germline): Benign. Review status: criteria provided, multiple submitters, no conflicts (2 of 4 stars). 4 submissions from 4 submitters: Benign (4). Last evaluated 2026-01-29.

Conditions:
HSPB3-related condition.
Neuronopathy, distal hereditary motor, type 2C. Also called: HMN IIC; NEUROPATHY, DISTAL HEREDITARY MOTOR, AUTOSOMAL DOMINANT 4; NEURONOPATHY, DISTAL HEREDITARY MOTOR, HARDING TYPE IIC; NEUROPATHY, DISTAL HEREDITARY MOTOR, HARDING TYPE IIC. Identifiers: Orphanet 139525, MedGen C3150619, MONDO:0013243, OMIM 613376.

Allele frequency attached by ClinVar (database versions not stated): gnomAD exomes 0.00060 and 0.00174; ExAC 0.00222; ESP Exome Variant Server 0.00692; gnomAD 0.00711 and 0.00768; TOPMed 0.00801; 1000 Genomes Project 30x 0.00812; 1000 Genomes Project 0.00819.

Submissions (4):

PreventionGenetics, part of Exact Sciences
Classification: Benign for HSPB3-related condition. Last evaluated: 2026-01-29. Review status: criteria provided, single submitter. Criteria: ACMG Guidelines, 2015. Collection method: clinical testing. Allele origin: germline.
Comment: This variant is classified as benign based on ACMG/AMP sequence variant interpretation guidelines (Richards et al. 2015 PMID: 25741868, with internal and published modifications).

Labcorp Genetics (formerly Invitae), Labcorp
Classification: Benign for Neuronopathy, distal hereditary motor, type 2C. Last evaluated: 2026-01-27. Review status: criteria provided, single submitter. Criteria: Invitae Variant Classification Sherloc (09022015). Collection method: clinical testing. Allele origin: germline.

Illumina Laboratory Services, Illumina
Classification: Benign for Neuronopathy, distal hereditary motor, type 2C. Last evaluated: 2018-01-13. Review status: criteria provided, single submitter. Criteria: ICSL Variant Classification Criteria 13 December 2019. Collection method: clinical testing. Allele origin: germline.
Comment: This variant was observed in the ICSL laboratory as part of a predisposition screen in an ostensibly healthy population. It had not been previously curated by ICSL or reported in the Human Gene Mutation Database (HGMD: prior to June 1st, 2018), and was therefore a candidate for classification through an automated scoring system. Utilizing variant allele frequency, disease prevalence and penetrance estimates, and inheritance mode, an automated score was calculated to assess if this variant is too frequent to cause the disease. Based on the score and internal cut-off values, a variant classified as benign is not then subjected to further curation. The score for this variant resulted in a classification of benign for this disease.

Athena Diagnostics
Classification: Benign. Last evaluated: 2017-04-28. Review status: criteria provided, single submitter. Criteria: Athena Diagnostics Criteria. Collection method: clinical testing. Allele origin: germline.